The following is an entry in ClinVar:

ClinVar aggregate classification (germline): Uncertain significance (1 of 4 stars; one submission).

Allele frequency attached by ClinVar (database versions not stated): gnomAD exomes below 0.00001; TOPMed below 0.00001; ExAC 0.00001.
gnomAD v4.1: 6 of 1,614,208 alleles (0.00037%); highest among the groups gnomAD compares: Admixed American, 0.0017%; no homozygotes.

Submission:

Labcorp Genetics (formerly Invitae), Labcorp
Classification: Uncertain significance. Last evaluated: 2022-07-19. Review status: criteria provided, single submitter. Criteria: Invitae Variant Classification Sherloc (09022015). Collection method: clinical testing. Allele origin: germline.
Comment: In summary, the available evidence is currently insufficient to determine the role of this variant in disease. Therefore, it has been classified as a Variant of Uncertain Significance. Algorithms developed to predict the effect of missense changes on protein structure and function are either unavailable or do not agree on the potential impact of this missense change (SIFT: "Tolerated"; PolyPhen-2: "Probably Damaging"; Align-GVGD: "Class C25"). ClinVar contains an entry for this variant (Variation ID: 1007955). This variant has not been reported in the literature in individuals affected with SZT2-related conditions. The frequency data for this variant in the population databases is considered unreliable, as metrics indicate poor data quality at this position in the gnomAD database. This sequence change replaces arginine, which is basic and polar, with cysteine, which is neutral and slightly polar, at codon 1938 of the SZT2 protein (p.Arg1938Cys).

NM_001365999.1(SZT2):c.5983C>T (p.Arg1995Cys)

Gene: SZT2 (SZT2 subunit of KICSTOR complex; plus strand). Cytogenetic location: 1p34.2.
Variant type: single nucleotide variant.
Coding change: c.5983C>T on transcript NM_001365999.1 (MANE Select); coding-DNA position 5983, C replaced by T.
Protein change: p.Arg1995Cys; replaces arginine 1995 with cysteine.
Molecular consequence: missense variant.
Genome position (GRCh38, 1-based): chr1:43,435,278, C>T. VCF-style: chr1-43435278-C-T. GRCh37 (hg19) VCF-style: chr1-43900949-C-T.
Other names: c.5812C>T, p.Arg1938Cys (NM_015284.4); short protein forms R1938C, R1995C.
Identifiers: ClinVar variation 1007955 (VCV001007955.8), dbSNP rs780407748, ClinGen allele CA809756.